The following is an entry in ClinVar:

ClinVar aggregate classification (germline): Likely benign (1 of 4 stars; one submission).

Allele frequency attached by ClinVar (database versions not stated): ExAC 0.00001.
gnomAD v4.1: 10 of 1,612,636 alleles (0.00062%); highest among the groups gnomAD compares: Admixed American, 0.0017%; no homozygotes.

Submission:

CeGaT Center for Human Genetics Tuebingen
Classification: Likely benign. Last evaluated: 2023-04-01. Review status: criteria provided, single submitter. Criteria: CeGaT Center For Human Genetics Tuebingen Variant Classification Criteria Version 2. Collection method: clinical testing. Allele origin: germline. Affected: yes. Observed: 1 variant allele.
Comment: FRMD1: BP4, BP7

NM_024919.6(FRMD1):c.663G>A (p.Arg221=)

Gene: FRMD1 (FERM domain containing 1; minus strand). Cytogenetic location: 6q27.
Variant type: single nucleotide variant.
Coding change: c.663G>A on transcript NM_024919.6 (MANE Select); coding-DNA position 663, G replaced by A.
Protein change: p.Arg221=; no amino-acid change (arginine 221 retained).
Molecular consequence: synonymous variant. On other transcripts: non-coding transcript variant (1).
Genome position (GRCh38, 1-based): chr6:168,063,742, C>T on the plus strand (G>A on the coding strand, the complement: FRMD1 is on the minus strand). VCF-style: chr6-168063742-C-T. GRCh37 (hg19) VCF-style: chr6-168464422-C-T.
Other names: c.459G>A, p.Arg153= (NM_001122841.3); c.399G>A, p.Arg133= (NM_001394681.1).
Identifiers: ClinVar variation 2657137 (VCV002657137.24), dbSNP rs763158276, ClinGen allele CA4101273.
Genomic context (GRCh38, chr6:168,063,742, plus strand): 5'-GCTCAGGCCCTGGCGCTCACGGTGCAGGGTAGGCATGTGCCGGAGGATGTAGTCAATCCC[C>T]CTCTTGGTGATGATCTGAGGACAGAGCCGGGAGGTCAGCTCAGACCCCTGCTGGTCCCCC-3'
Protein context (NP_079195.3, residues 211-231): SYFPQWIITK[Arg221=]GIDYILRHMP